The following is an entry in ClinVar:

NM_024642.5(GALNT12):c.541+10G>A

Gene: GALNT12 (polypeptide N-acetylgalactosaminyltransferase 12; plus strand). Cytogenetic location: 9q22.33.
Variant type: single nucleotide variant.
Coding change: c.541+10G>A on transcript NM_024642.5 (MANE Select); 10 bases into the intron after coding-DNA position 541, G replaced by A.
Molecular consequence: intron variant.
Genome position (GRCh38, 1-based): chr9:98,823,435, G>A. VCF-style: chr9-98823435-G-A. GRCh37 (hg19) VCF-style: chr9-101585717-G-A.
Identifiers: ClinVar variation 3616950 (VCV003616950.3).
Genomic context (GRCh38, chr9:98,823,435, plus strand): 5'-CGGATATCCTGCTAGAAGAAGTGATCCTTGTAGATGACTACAGTGATAGAGGTGAGTCCC[G>A]GCCAGGGCTCTGGGAAGAGCCTGTCCTTCTGTAGCAGTGTCTGGGAGGTGAGAGTGGGAT-3'

ClinVar aggregate classification (germline): Likely benign. Review status: criteria provided, multiple submitters, no conflicts (2 of 4 stars). 2 submissions from 2 submitters: Likely benign (2). Last evaluated 2026-04-21.

Conditions:
Colorectal cancer, susceptibility to, 1. Also called: COLORECTAL ADENOMA AND CANCER, SUSCEPTIBILITY TO; COLORECTAL CANCER, SUSCEPTIBILITY TO, ON CHROMOSOME 9. Identifiers: MedGen C1837315, MONDO:0012132, OMIM 608812.

gnomAD v4.1: 35 of 1,613,078 alleles (0.0022%); highest among the groups gnomAD compares: South Asian, 0.0088%; no homozygotes.

Submissions (2):

Myriad Genetics, Inc.
Classification: Likely benign for Colorectal cancer, susceptibility to, 1. Last evaluated: 2026-04-21. Review status: criteria provided, single submitter. Criteria: Myriad Autosomal Dominant, Autosomal Recessive and X-Linked Classification Criteria (2023). Collection method: clinical testing. Allele origin: unknown.
Comment: This variant is considered likely benign. This variant is intronic and is not expected to impact mRNA splicing.

Labcorp Genetics (formerly Invitae), Labcorp
Classification: Likely benign. Last evaluated: 2024-04-15. Review status: criteria provided, single submitter. Criteria: Invitae Variant Classification Sherloc (09022015). Collection method: clinical testing. Allele origin: germline.